The following is an entry in ClinVar:

NM_000041.4(APOE):c.940A>C (p.Ser314Arg)

Gene: APOE (apolipoprotein E; plus strand). Cytogenetic location: 19q13.32.
Variant type: single nucleotide variant.
Coding change: c.940A>C on transcript NM_000041.4 (MANE Select); coding-DNA position 940, A replaced by C.
Protein change: p.Ser314Arg; replaces serine 314 with arginine.
Molecular consequence: missense variant.
Genome position (GRCh38, 1-based): chr19:44,909,236, A>C. VCF-style: chr19-44909236-A-C. GRCh37 (hg19) VCF-style: chr19-45412493-A-C.
Other names: S296R; c.1018A>C, p.Ser340Arg (NM_001302688.2); c.940A>C, p.Ser314Arg (NM_001302689.2, NM_001302690.2, NM_001302691.2); c.940A>C (NM_000041.2); short protein forms S314R, S340R.
Identifiers: ClinVar variation 17876 (VCV000017876.4), dbSNP rs28931579, ClinGen allele CA127521.

ClinVar aggregate classification (germline): Conflicting classifications of pathogenicity. Review status: criteria provided, conflicting classifications (1 of 4 stars). 3 submissions from 3 submitters: Likely pathogenic (1); Likely benign (1). 1 of the submissions does not count toward it. Last evaluated 2025-09-11.

Conditions:
Cardiovascular phenotype. Identifiers: MedGen CN230736.
Sea-blue histiocyte syndrome. Also called: SEA-BLUE HISTIOCYTE DISEASE; Sea-blue histiocytosis. Identifiers: Orphanet 158029, MedGen C0036489, MONDO:0010017, OMIM 269600, HP:0001982.
Familial type 3 hyperlipoproteinemia. Also called: Hyperlipoproteinemia type 3; Hyperlipoproteinemia type III; Dysbetalipoproteinemia; Familial dysbetalipoproteinemia; Broad beta disease; Remnant removal disease. Identifiers: Orphanet 412, MedGen C0020479, MONDO:0018473, OMIM 617347.
APOE4(+).

Allele frequency attached by ClinVar (database versions not stated): gnomAD 0.00006 and 0.00007; gnomAD exomes 0.00009 and 0.00005; TOPMed 0.00003; ExAC 0.00012.

Submissions (3):

Ambry Genetics
Classification: Likely benign for Cardiovascular phenotype. Last evaluated: 2025-09-11. Review status: criteria provided, single submitter. Criteria: Ambry Variant Classification Scheme 2023. Collection method: clinical testing. Allele origin: germline.

First Genomix Gene Laboratory, Genetic Diagnostics Department
Classification: Likely pathogenic for Familial type 3 hyperlipoproteinemia; Sea-blue histiocyte syndrome. Last evaluated: 2025-05-08. Review status: criteria provided, single submitter. Criteria: ACMG Guidelines, 2015. Collection method: clinical testing. Allele origin: germline. Inheritance: Autosomal recessive inheritance. Affected: no. Observed: 1 variant allele.

OMIM
Classification: Pathogenic for APOE4(+). Last evaluated: 1993-05-01. Review status: no assertion criteria provided. Collection method: literature only. Allele origin: germline. Not counted in ClinVar's aggregate classification.

Literature cited by the submitters: PubMed 8488843 (cited by OMIM).